The following is an entry in ClinVar:

NM_003482.4(KMT2D):c.15922-7C>G

Gene: KMT2D (lysine methyltransferase 2D; minus strand). Cytogenetic location: 12q13.12.
Variant type: single nucleotide variant.
Coding change: c.15922-7C>G on transcript NM_003482.4 (MANE Select); 7 bases into the intron before coding-DNA position 15922, C replaced by G.
Molecular consequence: intron variant.
Genome position (GRCh38, 1-based): chr12:49,024,715, G>C on the plus strand (C>G on the coding strand, the complement: KMT2D is on the minus strand). VCF-style: chr12-49024715-G-C. GRCh37 (hg19) VCF-style: chr12-49418498-G-C.
Identifiers: ClinVar variation 3777328 (VCV003777328.2).

ClinVar aggregate classification (germline): Uncertain significance. Review status: criteria provided, multiple submitters, no conflicts (2 of 4 stars). 2 submissions from 2 submitters: Uncertain significance (2). Last evaluated 2024-10-10.

Submissions (2):

GeneDx
Classification: Uncertain significance. Last evaluated: 2024-10-10. Review status: criteria provided, single submitter. Criteria: GeneDx Variant Classification Process June 2021. Collection method: clinical testing. Allele origin: germline. Affected: yes.
Comment: Not observed at significant frequency in large population cohorts (gnomAD); In silico analysis supports a deleterious effect on splicing; Has not been previously published as pathogenic or benign to our knowledge

Blueprint Genetics
Classification: Uncertain significance. Last evaluated: 2019-06-06. Review status: criteria provided, single submitter. Criteria: ACMG Guidelines, 2015. Collection method: clinical testing. Allele origin: germline.